The following is an entry in ClinVar:

NM_023110.3(FGFR1):c.1460G>A (p.Gly487Asp)

Gene: FGFR1 (fibroblast growth factor receptor 1; minus strand). Cytogenetic location: 8p11.23.
Variant type: single nucleotide variant.
Coding change: c.1460G>A on transcript NM_023110.3 (MANE Select); coding-DNA position 1460, G replaced by A.
Protein change: p.Gly487Asp; replaces glycine 487 with aspartic acid.
Molecular consequence: missense variant.
Genome position (GRCh38, 1-based): chr8:38,417,962, C>T on the plus strand (G>A on the coding strand, the complement: FGFR1 is on the minus strand). VCF-style: chr8-38417962-C-T. GRCh37 (hg19) VCF-style: chr8-38275480-C-T.
Other names: c.1454G>A, p.Gly485Asp (NM_001174063.2, NM_001174065.2, NM_001354367.2 and 1 more transcripts); c.1430G>A, p.Gly477Asp (NM_001174064.2); c.1193G>A, p.Gly398Asp (NM_001174066.2, NM_023105.3); c.1553G>A, p.Gly518Asp (NM_001174067.2); c.1181G>A, p.Gly394Asp (NM_001354368.2); c.1448G>A, p.Gly483Asp (NM_001354369.2); c.1187G>A, p.Gly396Asp (NM_001354370.2, NM_023106.3); short protein forms G487D, G394D, G477D, G483D, G396D, G398D, G485D, G518D.
Identifiers: ClinVar variation 132647 (VCV000132647.3), dbSNP rs515726224, ClinGen allele CA269807.

ClinVar aggregate classification (germline): Pathogenic. Review status: criteria provided, single submitter (1 of 4 stars). 2 submissions from 2 submitters: Pathogenic (1). 1 of the submissions does not count toward it. Last evaluated 2018-03-09.

Conditions:
Hartsfield-Bixler-Demyer syndrome (HRTFDS). Also called: Hartsfield syndrome; Holoprosencephaly, ectrodactyly, and bilateral cleft lip/palate; FGFR1-Related Hartsfield Syndrome. Identifiers: Orphanet 2117, MedGen C1845146, MONDO:0014196, OMIM 615465. Disease mechanism: loss of function.
Hypogonadotropic hypogonadism 2 with or without anosmia (HH2). Also called: HYPOGONADOTROPIC HYPOGONADISM 2 WITHOUT ANOSMIA; HYPOGONADOTROPIC HYPOGONADISM 2 WITH OR WITHOUT ANOSMIA, SUSCEPTIBILITY TO; HYPOGONADOTROPIC HYPOGONADISM 2 WITHOUT ANOSMIA, SUSCEPTIBILITY TO; FGFR1-Related GnRH Deficiency (Kallmann Syndrome 2). Identifiers: Orphanet 478, MedGen C1563720, MONDO:0007844, OMIM 147950. Disease mechanism: loss of function.

Submissions (2):

Muenke lab, National Institutes of Health
Classification: Pathogenic for Hartsfield-Bixler-Demyer syndrome. Last evaluated: 2018-03-09. Review status: criteria provided, single submitter. Criteria: Submitter's publication. Collection method: research. Allele origin: not applicable. Inheritance: Autosomal dominant inheritance.
Comment: Zebrafish functional studies are abnormal. ACMG criteria are met: PS3;PM1/PM2;PP2/PP3/PP4. ATP binding site; dominant negative gain of function; inactivates receptor dimers.

Endocrinology Clinic, Seth G.S. Medical College
Classification: Pathogenic for Isolated hypogonadotropic hypogonadism. Last evaluated: 2013-10-24. Review status: no assertion criteria provided. Collection method: research. Allele origin: germline. Inheritance: Autosomal dominant inheritance. Affected: yes. Observed: 1 variant allele, 1 heterozygote. Not counted in ClinVar's aggregate classification.

Literature cited by the submitters: PubMed 24204987 (cited by Endocrinology Clinic, Seth G.S. Medical College).